The following is an entry in ClinVar:

ClinVar aggregate classification (germline): Uncertain significance (1 of 4 stars; one submission).

gnomAD v4.1: 2 of 1,613,610 alleles (0.00012%); highest among the groups gnomAD compares: Non-Finnish European, 0.00017%; no homozygotes.

Submission:

Dasa
Classification: Uncertain significance. Last evaluated: 2026-02-01. Review status: criteria provided, single submitter. Criteria: DASA Assertion Criteria. Collection method: clinical testing. Allele origin: germline.
Comment: NM_006828.4(ASCC3):c.4552C>T (p.Arg1518Cys) is a missense variant that results in the substitution of arginine with cysteine. The affected residue or protein region has prior evidence supporting clinical relevance. Published studies describe this variant in association with related phenotype (PMID: 35047834). Also, this variant is rare in population databases. Computational prediction algorithms are consistent with a deleterious effect. The currently available literature and clinical evidence are not sufficient to establish a definitive association between this variant and the reported condition. Therefore, this variant is classified as a variant of uncertain significance.

Literature cited by the submitters: PubMed 35047834.

NM_006828.4(ASCC3):c.4552C>T (p.Arg1518Cys)

Gene: ASCC3 (activating signal cointegrator 1 complex subunit 3; minus strand). Cytogenetic location: 6q16.3.
Variant type: single nucleotide variant.
Coding change: c.4552C>T on transcript NM_006828.4 (MANE Select); coding-DNA position 4552, C replaced by T.
Protein change: p.Arg1518Cys; replaces arginine 1518 with cysteine.
Molecular consequence: missense variant.
Genome position (GRCh38, 1-based): chr6:100,627,680, G>A on the plus strand (C>T on the coding strand, the complement: ASCC3 is on the minus strand). VCF-style: chr6-100627680-G-A. GRCh37 (hg19) VCF-style: chr6-101075556-G-A.
Other names: short protein forms R1518C.
Identifiers: ClinVar variation 4884966 (VCV004884966.2).